The following is an entry in ClinVar:

NM_014254.3(RXYLT1):c.1019G>A (p.Arg340Gln)

Gene: RXYLT1 (ribitol xylosyltransferase 1; plus strand). Cytogenetic location: 12q14.2.
Variant type: single nucleotide variant.
Coding change: c.1019G>A on transcript NM_014254.3 (MANE Select); coding-DNA position 1019, G replaced by A.
Protein change: p.Arg340Gln; replaces arginine 340 with glutamine.
Molecular consequence: missense variant.
Genome position (GRCh38, 1-based): chr12:63,808,779, G>A. VCF-style: chr12-63808779-G-A. GRCh37 (hg19) VCF-style: chr12-64202559-G-A.
Other names: c.239G>A, p.Arg80Gln (NM_001278237.2); short protein forms R340Q, R80Q.
Identifiers: ClinVar variation 856624 (VCV000856624.5), dbSNP rs768721082, ClinGen allele CA6666228.

ClinVar aggregate classification (germline): Uncertain significance (1 of 4 stars; one submission).

Allele frequency attached by ClinVar (database versions not stated): gnomAD exomes 0.00001; ExAC 0.00002; gnomAD 0.00002 and 0.00003; TOPMed 0.00003.
gnomAD v4.1: 10 of 1,613,114 alleles (0.00062%); highest among the groups gnomAD compares: African/African-American, 0.0094%; no homozygotes.

Submission:

Labcorp Genetics (formerly Invitae), Labcorp
Classification: Uncertain significance. Last evaluated: 2022-08-16. Review status: criteria provided, single submitter. Criteria: Invitae Variant Classification Sherloc (09022015). Collection method: clinical testing. Allele origin: germline.
Comment: This sequence change replaces arginine, which is basic and polar, with glutamine, which is neutral and polar, at codon 340 of the RXYLT1 protein (p.Arg340Gln). This variant is present in population databases (rs768721082, gnomAD 0.008%). This variant has not been reported in the literature in individuals affected with RXYLT1-related conditions. ClinVar contains an entry for this variant (Variation ID: 856624). Algorithms developed to predict the effect of missense changes on protein structure and function (SIFT, PolyPhen-2, Align-GVGD) all suggest that this variant is likely to be disruptive. In summary, the available evidence is currently insufficient to determine the role of this variant in disease. Therefore, it has been classified as a Variant of Uncertain Significance.